The following is an entry in ClinVar:

NM_032444.4(SLX4):c.1307C>T (p.Ala436Val)

Gene: SLX4 (SLX4 structure-specific endonuclease subunit; minus strand). Cytogenetic location: 16p13.3.
Variant type: single nucleotide variant.
Coding change: c.1307C>T on transcript NM_032444.4 (MANE Select); coding-DNA position 1307, C replaced by T.
Protein change: p.Ala436Val; replaces alanine 436 with valine.
Molecular consequence: missense variant.
Genome position (GRCh38, 1-based): chr16:3,597,856, G>A on the plus strand (C>T on the coding strand, the complement: SLX4 is on the minus strand). VCF-style: chr16-3597856-G-A. GRCh37 (hg19) VCF-style: chr16-3647857-G-A.
Other names: c.1307C>T (LRG_503t1); short protein forms A436V.
Identifiers: ClinVar variation 407898 (VCV000407898.6), dbSNP rs773539191, ClinGen allele CA7866561.

ClinVar aggregate classification (germline): Conflicting classifications of pathogenicity. Review status: criteria provided, conflicting classifications (1 of 4 stars). 3 submissions from 3 submitters: Uncertain significance (2); Likely benign (1). Last evaluated 2024-08-05.

Conditions:
Fanconi anemia complementation group P. Also called: SLX4-Related Fanconi Anemia. Identifiers: Orphanet 84, MedGen C3469542, MONDO:0013499, OMIM 613951.
Fanconi anemia (FA). Also called: Fanconi's anemia. Identifiers: Orphanet 84, MedGen C0015625, MeSH D005199, MONDO:0019391.

Allele frequency attached by ClinVar (database versions not stated): gnomAD 0.00001; ExAC 0.00002; gnomAD exomes 0.00002; TOPMed 0.00002.
gnomAD v4.1: 35 of 1,613,918 alleles (0.0022%); highest among the groups gnomAD compares: Non-Finnish European, 0.0026%; no homozygotes.

Submissions (3):

Blueprint Genetics
Classification: Likely benign. Last evaluated: 2024-08-05. Review status: criteria provided, single submitter. Criteria: ACMG Guidelines, 2015. Collection method: clinical testing. Allele origin: germline.

Labcorp Genetics (formerly Invitae), Labcorp
Classification: Uncertain significance for Fanconi anemia. Last evaluated: 2021-10-19. Review status: criteria provided, single submitter. Criteria: Invitae Variant Classification Sherloc (09022015). Collection method: clinical testing. Allele origin: germline.
Comment: This sequence change replaces alanine with valine at codon 436 of the SLX4 protein (p.Ala436Val). The alanine residue is weakly conserved and there is a small physicochemical difference between alanine and valine. This variant is present in population databases (rs773539191, ExAC 0.003%). This variant has not been reported in the literature in individuals affected with SLX4-related conditions. ClinVar contains an entry for this variant (Variation ID: 407898). Algorithms developed to predict the effect of missense changes on protein structure and function output the following: SIFT: "Tolerated"; PolyPhen-2: "Benign"; Align-GVGD: "Class C0". The valine amino acid residue is found in multiple mammalian species, which suggests that this missense change does not adversely affect protein function. In summary, the available evidence is currently insufficient to determine the role of this variant in disease. Therefore, it has been classified as a Variant of Uncertain Significance.

Fulgent Genetics
Classification: Uncertain significance for Fanconi anemia complementation group P. Last evaluated: 2021-08-18. Review status: criteria provided, single submitter. Criteria: ACMG Guidelines, 2015. Collection method: clinical testing. Allele origin: unknown.